The following is an entry in ClinVar:

NM_000540.3(RYR1):c.7264A>G (p.Ile2422Val)

Gene: RYR1 (ryanodine receptor 1; plus strand). Cytogenetic location: 19q13.2.
Variant type: single nucleotide variant.
Coding change: c.7264A>G on transcript NM_000540.3 (MANE Select); coding-DNA position 7264, A replaced by G.
Protein change: p.Ile2422Val; replaces isoleucine 2422 with valine.
Molecular consequence: missense variant.
Genome position (GRCh38, 1-based): chr19:38,499,957, A>G. VCF-style: chr19-38499957-A-G. GRCh37 (hg19) VCF-style: chr19-38990597-A-G.
Other names: c.7264A>G, p.Ile2422Val (NM_001042723.2); short protein forms I2422V.
Identifiers: ClinVar variation 2721045 (VCV002721045.4), dbSNP rs753798863, ClinGen allele CA069434.

ClinVar aggregate classification (germline): Uncertain significance. Review status: criteria provided, multiple submitters, no conflicts (2 of 4 stars). 3 submissions from 3 submitters: Uncertain significance (3). Last evaluated 2025-11-24.

Conditions:
Malignant hyperthermia, susceptibility to, 1 (MHS1). Also called: Anesthesia related hyperthermia; Malignant hyperpyrexia; Fulminating hyperpyrexia; Pharmacogenic myopathy; Malignant hyperthermia suceptibility 1; RYR1-Related Malignant Hyperthermia Susceptibility. Identifiers: Orphanet 423, MedGen C2930980, MONDO:0007783, OMIM 145600.
RYR1-related disorder. Also called: RYR1-related condition; RYR1-related disorders. Identifiers: MedGen CN239331.

Allele frequency attached by ClinVar (database versions not stated): gnomAD exomes below 0.00001; ExAC 0.00001; gnomAD 0.00001; TOPMed 0.00002.
gnomAD v4.1: 7 of 1,611,800 alleles (0.00043%); highest among the groups gnomAD compares: Admixed American, 0.005%; no homozygotes.

Submissions (3):

Color Diagnostics, LLC DBA Color Health
Classification: Uncertain significance for Malignant hyperthermia, susceptibility to, 1. Last evaluated: 2025-11-24. Review status: criteria provided, single submitter. Criteria: ACMG Guidelines, 2015. Collection method: clinical testing. Allele origin: germline.
Comment: This missense variant replaces isoleucine with valine at codon 2422 of the RYR1 protein. Computational prediction suggests that this variant may have deleterious impact on protein structure and function. To our knowledge, functional studies have not been reported for this variant. This variant has not been reported in individuals affected with RYR1-related disorders in the literature. This variant has been identified in 1/251418 chromosomes in the general population by the Genome Aggregation Database (gnomAD). The available evidence is insufficient to determine the role of this variant in disease conclusively. Therefore, this variant is classified as a Variant of Uncertain Significance.

Labcorp Genetics (formerly Invitae), Labcorp
Classification: Uncertain significance for RYR1-related disorder. Last evaluated: 2025-02-27. Review status: criteria provided, single submitter. Criteria: Invitae Variant Classification Sherloc (09022015). Collection method: clinical testing. Allele origin: germline.
Comment: This sequence change replaces isoleucine, which is neutral and non-polar, with valine, which is neutral and non-polar, at codon 2422 of the RYR1 protein (p.Ile2422Val). This variant is present in population databases (rs753798863, gnomAD 0.003%). This variant has not been reported in the literature in individuals affected with RYR1-related conditions. ClinVar contains an entry for this variant (Variation ID: 2721045). Invitae Evidence Modeling of protein sequence and biophysical properties (such as structural, functional, and spatial information, amino acid conservation, physicochemical variation, residue mobility, and thermodynamic stability) has been performed for this missense variant. However, the output from this modeling did not meet the statistical confidence thresholds required to predict the impact of this variant on RYR1 protein function. In summary, the available evidence is currently insufficient to determine the role of this variant in disease. Therefore, it has been classified as a Variant of Uncertain Significance.

All of Us Research Program, National Institutes of Health
Classification: Uncertain significance for Malignant hyperthermia, susceptibility to, 1. Last evaluated: 2023-11-30. Review status: criteria provided, single submitter. Criteria: ACMG Guidelines, 2015. Collection method: clinical testing. Allele origin: germline. Inheritance: Autosomal dominant inheritance. Observed: 2 variant alleles, 2 heterozygotes.
Comment: This missense variant replaces isoleucine with valine at codon 2422 of the RYR1 protein. Computational prediction suggests that this variant may have deleterious impact on protein structure and function (internally defined REVEL score threshold >= 0.7, PMID: 27666373). To our knowledge, functional studies have not been reported for this variant. This variant has not been reported in individuals affected with RYR1-related disorders in the literature. This variant has been identified in 1/251418 chromosomes in the general population by the Genome Aggregation Database (gnomAD). The available evidence is insufficient to determine the role of this variant in disease conclusively. Therefore, this variant is classified as a Variant of Uncertain Significance.

This study involves interpretation of variants in research participants for the purpose of population health screening. Participant phenotype was not available at the time of variant classification. Additional details can be found in publication PMID: 35346344, PMCID: PMC8962531